The following is an entry in ClinVar:

ClinVar aggregate classification (germline): Uncertain significance (1 of 4 stars; one submission).

Conditions:
Hypogonadotropic hypogonadism 1 with or without anosmia (HH1). Also called: HYPOGONADOTROPIC HYPOGONADISM AND ANOSMIA; HYPOGONADOTROPIC HYPOGONADISM 1 WITH ANOSMIA; KAL1-Related GnRH Deficiency (Kallmann Syndrome 1; Kallmann Syndrome, X-Linked); Hypogonadotropic hypogonadism 1 with or without anosmia (Kallmann syndrome 1); Kallmann syndrome, type 1, X-linked; DYSPLASIA OLFACTOGENITALIS OF DE MORSIER. Identifiers: Orphanet 478, MedGen C1563719, MONDO:0010635, OMIM 308700. Disease mechanism: loss of function.

Submission:

Labcorp Genetics (formerly Invitae), Labcorp
Classification: Uncertain significance for Hypogonadotropic hypogonadism 1 with or without anosmia. Last evaluated: 2018-08-10. Review status: criteria provided, single submitter. Criteria: Invitae Variant Classification Sherloc (09022015). Collection method: clinical testing. Allele origin: germline.
Comment: In summary, the available evidence is currently insufficient to determine the role of this variant in disease. Therefore, it has been classified as a Variant of Uncertain Significance. This variant has not been reported in the literature in individuals with ANOS1-related disease. This variant results in a copy number gain of the genomic region encompassing exons 1-5 of the ANOS1 gene. The 5' end of this event is unknown as it extends beyond the assayed region for this gene and therefore may encompass additional genes. The 3' boundary is likely confined to intron 5 of the ANOS1 gene. As the precise location of this event is unknown, it may be in tandem or it may be located elsewhere in the genome.

NC_000023.10:g.(?_8555815)_(8700097_?)dup

Gene: ANOS1 (anosmin 1; minus strand). Cytogenetic location: Xp22.31.
Variant type: Duplication.
Identifiers: ClinVar variation 660679 (VCV000660679.5).